The following is an entry in ClinVar:

NM_004463.3(FGD1):c.2730_2732dup (p.Arg911_Trp912insArg)

Genes: FGD1 (FYVE, RhoGEF and PH domain containing 1; minus strand), TSR2 (TSR2 ribosome maturation factor; plus strand). Cytogenetic location: Xp11.22.
Variant type: Duplication.
Coding change: c.2730_2732dup on transcript NM_004463.3 (MANE Select); coding-DNA positions 2730 to 2732, 3 bases duplicated (ACG; older notation c.2730_2732dupACG).
Protein change: p.Arg911_Trp912insArg.
Molecular consequence: inframe insertion. On other transcripts: 3 prime UTR variant (5).
Genome position (GRCh38, 1-based): chrX:54,446,263-54,446,265, CGT duplicated on the plus strand (ACG on the coding strand, the reverse complement: FGD1 is on the minus strand); duplicating any 3 consecutive bases within chrX:54,446,263-54,446,267 gives the same sequence; the c. name uses the placement nearest the transcript's 3' end. VCF-style (leftmost placement, unchanged base first): chrX-54446262-G-GCGT. GRCh37 (hg19) VCF-style: chrX-54472695-G-GCGT.
Other names: c.*1715_*1717dup (NM_001346789.2, NM_001346790.2, NM_001346791.2 and 2 more transcripts).
Identifiers: ClinVar variation 4725089 (VCV004725089.2).

ClinVar aggregate classification (germline): Uncertain significance. Review status: criteria provided, multiple submitters, no conflicts (2 of 4 stars). 2 submissions from 2 submitters: Uncertain significance (2). Last evaluated 2025-08-09.

Submissions (2):

Labcorp Genetics (formerly Invitae), Labcorp
Classification: Uncertain significance. Last evaluated: 2025-08-09. Review status: criteria provided, single submitter. Criteria: Invitae Variant Classification Sherloc (09022015). Collection method: clinical testing. Allele origin: germline.
Comment: This variant, c.2730_2732dup, results in the insertion of 1 amino acid(s) of the FGD1 protein (p.Arg911dup), but otherwise preserves the integrity of the reading frame. This variant is not present in population databases (gnomAD no frequency). This variant has not been reported in the literature in individuals affected with FGD1-related conditions. In summary, the available evidence is currently insufficient to determine the role of this variant in disease. Therefore, it has been classified as a Variant of Uncertain Significance.

Blueprint Genetics
Classification: Uncertain significance. Last evaluated: 2018-04-23. Review status: criteria provided, single submitter. Criteria: ACMG Guidelines, 2015. Collection method: clinical testing. Allele origin: germline.